The following is an entry in ClinVar:

NM_182914.3(SYNE2):c.19558C>G (p.Pro6520Ala)

Gene: SYNE2 (spectrin repeat containing nuclear envelope protein 2; plus strand). Cytogenetic location: 14q23.2.
Variant type: single nucleotide variant.
Coding change: c.19558C>G on transcript NM_182914.3 (MANE Select); coding-DNA position 19558, C replaced by G.
Protein change: p.Pro6520Ala; replaces proline 6520 with alanine.
Molecular consequence: missense variant.
Genome position (GRCh38, 1-based): chr14:64,218,413, C>G. VCF-style: chr14-64218413-C-G. GRCh37 (hg19) VCF-style: chr14-64685131-C-G.
Other names: c.19489C>G, p.Pro6497Ala (NM_015180.6); c.82C>G, p.Pro28Ala (NM_182910.2); c.460C>G, p.Pro154Ala (NM_182913.4); short protein forms P28A, P6497A, P6520A, P154A.
Identifiers: ClinVar variation 937874 (VCV000937874.9), dbSNP rs2098676992, ClinGen allele CA389962249.

ClinVar aggregate classification (germline): Uncertain significance (1 of 4 stars; one submission).

Conditions:
Emery-Dreifuss muscular dystrophy 5, autosomal dominant (EDMD5). Also called: EMERY-DREIFUSS MUSCULAR DYSTROPHY 5. Identifiers: Orphanet 261, MedGen C2751805, MONDO:0013072, OMIM 612999.

gnomAD v4.1: 1 of 1,614,058 alleles (0.000062%); highest among the groups gnomAD compares: Non-Finnish European, 0.000085%; no homozygotes.

Submission:

Labcorp Genetics (formerly Invitae), Labcorp
Classification: Uncertain significance for Emery-Dreifuss muscular dystrophy 5, autosomal dominant. Last evaluated: 2023-07-17. Review status: criteria provided, single submitter. Criteria: Invitae Variant Classification Sherloc (09022015). Collection method: clinical testing. Allele origin: germline.
Comment: This variant is not present in population databases (gnomAD no frequency). In summary, the available evidence is currently insufficient to determine the role of this variant in disease. Therefore, it has been classified as a Variant of Uncertain Significance. An algorithm developed to predict the effect of missense changes on protein structure and function (PolyPhen-2) suggests that this variant is likely to be tolerated. ClinVar contains an entry for this variant (Variation ID: 937874). This variant has not been reported in the literature in individuals affected with SYNE2-related conditions. This sequence change replaces proline, which is neutral and non-polar, with alanine, which is neutral and non-polar, at codon 6520 of the SYNE2 protein (p.Pro6520Ala).